The following is an entry in ClinVar:

ClinVar aggregate classification (germline): Uncertain significance. Review status: criteria provided, multiple submitters, no conflicts (2 of 4 stars). 3 submissions from 3 submitters: Uncertain significance (3). Last evaluated 2025-11-17.

Conditions:
Episodic ataxia type 1 (EA1). Also called: ATAXIA, EPISODIC, WITH MYOKYMIA; Episodic ataxia/myokymia syndrome; MYOKYMIA WITH PERIODIC ATAXIA; PAROXYSMAL ATAXIA WITH NEUROMYOTONIA, HEREDITARY. Identifiers: Orphanet 37612, Orphanet 972, MedGen C1719788, MONDO:0008047, OMIM 160120.

Submissions (3):

Institute of Human Genetics, University of Leipzig Medical Center
Classification: Uncertain significance for Episodic ataxia type 1. Last evaluated: 2025-11-17. Review status: criteria provided, single submitter. Criteria: ACMG Guidelines, 2015. Collection method: clinical testing. Allele origin: unknown. Inheritance: Autosomal dominant inheritance. Affected: yes.
Comment: Criteria applied: PM2,PP2,PP3

GeneDx
Classification: Uncertain significance. Last evaluated: 2023-12-07. Review status: criteria provided, single submitter. Criteria: GeneDx Variant Classification Process June 2021. Collection method: clinical testing. Allele origin: germline. Affected: yes.
Comment: Not observed at significant frequency in large population cohorts (gnomAD); In silico analysis supports that this missense variant has a deleterious effect on protein structure/function; Has not been previously published as pathogenic or benign to our knowledge

Labcorp Genetics (formerly Invitae), Labcorp
Classification: Uncertain significance for Episodic ataxia type 1. Last evaluated: 2022-01-06. Review status: criteria provided, single submitter. Criteria: Invitae Variant Classification Sherloc (09022015). Collection method: clinical testing. Allele origin: germline.
Comment: This variant is not present in population databases (gnomAD no frequency). This sequence change replaces serine, which is neutral and polar, with cysteine, which is neutral and slightly polar, at codon 306 of the KCNA1 protein (p.Ser306Cys). This variant has not been reported in the literature in individuals affected with KCNA1-related conditions. In summary, the available evidence is currently insufficient to determine the role of this variant in disease. Therefore, it has been classified as a Variant of Uncertain Significance. Advanced modeling of protein sequence and biophysical properties (such as structural, functional, and spatial information, amino acid conservation, physicochemical variation, residue mobility, and thermodynamic stability) performed at Invitae indicates that this missense variant is expected to disrupt KCNA1 protein function. ClinVar contains an entry for this variant (Variation ID: 1009332).

NM_000217.3(KCNA1):c.917C>G (p.Ser306Cys)

Gene: KCNA1 (potassium voltage-gated channel subfamily A member 1; plus strand). Cytogenetic location: 12p13.32.
Variant type: single nucleotide variant.
Coding change: c.917C>G on transcript NM_000217.3 (MANE Select); coding-DNA position 917, C replaced by G.
Protein change: p.Ser306Cys; replaces serine 306 with cysteine.
Molecular consequence: missense variant.
Genome position (GRCh38, 1-based): chr12:4,912,295, C>G. VCF-style: chr12-4912295-C-G. GRCh37 (hg19) VCF-style: chr12-5021461-C-G.
Other names: c.917C>G (NM_000217.2); short protein forms S306C.
Identifiers: ClinVar variation 1009332 (VCV001009332.10), dbSNP rs1947357313, ClinGen allele CA383455626.
Genomic context (GRCh38, chr12:4,912,295, plus strand): 5'-CCTCCCTGGCCATCCTCAGGGTCATCCGCTTGGTAAGGGTTTTTAGAATCTTCAAGCTCT[C>G]CCGCCACTCTAAGGGCCTCCAGATCCTGGGCCAGACCCTCAAAGCTAGTATGAGAGAGCT-3'
Protein context (NP_000208.2, residues 296-316): LVRVFRIFKL[Ser306Cys]RHSKGLQILG